The following is an entry in ClinVar:

NM_025099.6(CTC1):c.3169C>T (p.Arg1057Cys)

Gene: CTC1 (CST telomere replication complex component 1; minus strand). Cytogenetic location: 17p13.1.
Variant type: single nucleotide variant.
Coding change: c.3169C>T on transcript NM_025099.6 (MANE Select); coding-DNA position 3169, C replaced by T.
Protein change: p.Arg1057Cys; replaces arginine 1057 with cysteine.
Molecular consequence: missense variant.
Genome position (GRCh38, 1-based): chr17:8,229,194, G>A on the plus strand (C>T on the coding strand, the complement: CTC1 is on the minus strand). VCF-style: chr17-8229194-G-A. GRCh37 (hg19) VCF-style: chr17-8132512-G-A.
Other names: c.3169C>T, p.Arg1057Cys (LRG_1124t1); short protein forms R1057C.
Identifiers: ClinVar variation 403760 (VCV000403760.14), dbSNP rs376349076, ClinGen allele CA8371858.

ClinVar aggregate classification (germline): Uncertain significance. Review status: criteria provided, multiple submitters, no conflicts (2 of 4 stars). 3 submissions from 3 submitters: Uncertain significance (3). Last evaluated 2025-08-13.

Conditions:
Dyskeratosis congenita. Identifiers: Orphanet 1775, MedGen C0265965, MONDO:0015780.
Inborn genetic diseases. Identifiers: MedGen C0950123, MeSH D030342.

Allele frequency attached by ClinVar (database versions not stated): gnomAD exomes 0.00001 and 0.00002; TOPMed 0.00001; ExAC 0.00003; ESP Exome Variant Server 0.00008.
gnomAD v4.1: 10 of 1,614,160 alleles (0.00062%); highest among the groups gnomAD compares: South Asian, 0.0022%; no homozygotes.

Submissions (3):

Ambry Genetics
Classification: Uncertain significance for Inborn genetic diseases. Last evaluated: 2025-08-13. Review status: criteria provided, single submitter. Criteria: Ambry Variant Classification Scheme 2023. Collection method: clinical testing. Allele origin: germline.

Labcorp Genetics (formerly Invitae), Labcorp
Classification: Uncertain significance for Dyskeratosis congenita. Last evaluated: 2023-03-07. Review status: criteria provided, single submitter. Criteria: Invitae Variant Classification Sherloc (09022015). Collection method: clinical testing. Allele origin: germline.
Comment: In summary, the available evidence is currently insufficient to determine the role of this variant in disease. Therefore, it has been classified as a Variant of Uncertain Significance. Algorithms developed to predict the effect of missense changes on protein structure and function output the following: SIFT: "Not Available"; PolyPhen-2: "Probably Damaging"; Align-GVGD: "Not Available". The cysteine amino acid residue is found in multiple mammalian species, which suggests that this missense change does not adversely affect protein function. This sequence change replaces arginine, which is basic and polar, with cysteine, which is neutral and slightly polar, at codon 1057 of the CTC1 protein (p.Arg1057Cys). This variant is present in population databases (rs376349076, gnomAD 0.004%). This variant has not been reported in the literature in individuals affected with CTC1-related conditions. ClinVar contains an entry for this variant (Variation ID: 403760).

Genetic Services Laboratory, University of Chicago
Classification: Uncertain significance. Last evaluated: 2020-10-13. Review status: criteria provided, single submitter. Criteria: ACMG Guidelines, 2015. Collection method: clinical testing. Allele origin: germline. Affected: no.